The following is an entry in ClinVar:

NM_001267550.2(TTN):c.75898_75901dup (p.Pro25301fs)

Genes: TTN (titin; minus strand), TTN-AS1 (TTN antisense RNA 1; plus strand). Cytogenetic location: 2q31.2.
Variant type: Duplication.
Coding change: c.75898_75901dup on transcript NM_001267550.2 (MANE Select); coding-DNA positions 75898 to 75901, 4 bases duplicated (AATC; older notation c.75898_75901dupAATC).
Protein change: p.Pro25301fs; shifts the reading frame from proline 25301.
Molecular consequence: frameshift variant.
Genome position (GRCh38, 1-based): chr2:178,570,231-178,570,234, GATT duplicated on the plus strand (AATC on the coding strand, the reverse complement: TTN is on the minus strand). VCF-style (leftmost placement, unchanged base first): chr2-178570230-G-GGATT. GRCh37 (hg19) VCF-style: chr2-179434957-G-GGATT.
Other names: c.48703_48706dup, p.Pro16236fs (NM_003319.4); c.68194_68197dup, p.Pro22733fs (NM_133378.4); c.49078_49081dup, p.Pro16361fs (NM_133432.3); c.49279_49282dup, p.Pro16428fs (NM_133437.4); c.70975_70978dup, p.Pro23660fs (NM_001256850.1); short protein forms P22733fs, P23660fs, P16236fs, P16361fs, P16428fs, P25301fs.
Identifiers: ClinVar variation 2954085 (VCV002954085.3), dbSNP rs2468441735, ClinGen allele CA2740096014.

ClinVar aggregate classification (germline): Likely pathogenic (1 of 4 stars; one submission).

Conditions:
Autosomal recessive limb-girdle muscular dystrophy type 2J (LGMDR10). Also called: Limb-girdle muscular dystrophy, type 2J; MUSCULAR DYSTROPHY, LIMB-GIRDLE, AUTOSOMAL RECESSIVE 10. Identifiers: Orphanet 140922, MedGen C1837342, MONDO:0012127, OMIM 608807.
Dilated cardiomyopathy 1G (CMD1G). Identifiers: Orphanet 154, MedGen C1858763, MONDO:0011400, OMIM 604145.

Submission:

Labcorp Genetics (formerly Invitae), Labcorp
Classification: Likely pathogenic for Dilated cardiomyopathy 1G; Autosomal recessive limb-girdle muscular dystrophy type 2J. Last evaluated: 2023-11-21. Review status: criteria provided, single submitter. Criteria: Invitae Variant Classification Sherloc (09022015). Collection method: clinical testing. Allele origin: germline.
Comment: This sequence change creates a premature translational stop signal (p.Pro25301Glnfs*32) in the TTN gene. While this is not anticipated to result in nonsense mediated decay, it is expected to create a truncated TTN protein. This variant is not present in population databases (gnomAD no frequency). This variant has not been reported in the literature in individuals affected with TTN-related conditions. This variant is located in the A band of TTN (PMID: 25589632). Truncating variants in this region are significantly overrepresented in patients affected with dilated cardiomyopathy (PMID: 25589632). Truncating variants in this region have also been reported in individuals affected with autosomal recessive centronuclear myopathy (PMID: 23975875). In summary, the currently available evidence indicates that the variant is pathogenic, but additional data are needed to prove that conclusively. Therefore, this variant has been classified as Likely Pathogenic.

Literature cited by the submitters: PubMed 25589632; PubMed 23975875.